The following is an entry in ClinVar:

ClinVar aggregate classification (germline): Conflicting classifications of pathogenicity. Review status: criteria provided, conflicting classifications (1 of 4 stars). 3 submissions from 3 submitters: Uncertain significance (2); Likely benign (1). Last evaluated 2026-06-05.

Conditions:
Inborn genetic diseases. Identifiers: MedGen C0950123, MeSH D030342.
MAGEL2-related disorder. Also called: MAGEL2-related condition.

Submissions (3):

PreventionGenetics, part of Exact Sciences
Classification: Uncertain significance for MAGEL2-related condition. Last evaluated: 2026-06-05. Review status: criteria provided, single submitter. Criteria: ACMG Guidelines, 2015. Collection method: clinical testing. Allele origin: germline.
Comment: The MAGEL2 c.522_524delTCC variant is predicted to result in an in-frame deletion (p.Pro175del). To our knowledge, this variant has not been reported in the literature. This variant is reported in 0.038% of alleles in individuals of African descent in gnomAD. This variant falls within a highly paralogous region. Allele frequency data should be interpreted with caution. At this time, the clinical significance of this variant is uncertain due to the absence of conclusive functional and genetic evidence.

Labcorp Genetics (formerly Invitae), Labcorp
Classification: Uncertain significance. Last evaluated: 2025-02-19. Review status: criteria provided, single submitter. Criteria: Invitae Variant Classification Sherloc (09022015). Collection method: clinical testing. Allele origin: germline.
Comment: This variant, c.522_524del, results in the deletion of 1 amino acid(s) of the MAGEL2 protein (p.Pro175del), but otherwise preserves the integrity of the reading frame. This variant is present in population databases (no rsID available, gnomAD 0.04%), including at least one homozygous and/or hemizygous individual. This variant has not been reported in the literature in individuals affected with MAGEL2-related conditions. Experimental studies and prediction algorithms are not available or were not evaluated, and the functional significance of this variant is currently unknown. In summary, the available evidence is currently insufficient to determine the role of this variant in disease. Therefore, it has been classified as a Variant of Uncertain Significance.

Ambry Genetics
Classification: Likely benign for Inborn genetic diseases. Last evaluated: 2023-11-01. Review status: criteria provided, single submitter. Criteria: Ambry Variant Classification Scheme 2023. Collection method: clinical testing. Allele origin: germline.

NM_019066.5(MAGEL2):c.513TCC[3] (p.Pro175del)

Gene: MAGEL2 (MAGE family member L2; minus strand). Cytogenetic location: 15q11.2.
Variant type: Microsatellite.
Coding change: c.513TCC[3] on transcript NM_019066.5 (MANE Select); three copies in a row of the 3-base unit TCC starting at c.513; the reference has four copies in a row; one copy, 3 bases deleted.
Protein change: p.Pro175del; deletes proline 175.
Molecular consequence: inframe deletion.
Genome position (GRCh38, 1-based): chr15:23,647,219-23,647,221, GGA deleted on the plus strand (TCC on the coding strand, the reverse complement: MAGEL2 is on the minus strand); deleting any 3 consecutive bases within chr15:23,647,219-23,647,230 gives the same sequence; the position shown is the placement nearest the transcript's 3' end. VCF-style (leftmost placement, unchanged base first): chr15-23647218-CGGA-C. GRCh37 (hg19) VCF-style: chr15-23892365-CGGA-C.
Other names: short protein forms P175del.
Identifiers: ClinVar variation 2629950 (VCV002629950.6), dbSNP rs951101870, ClinGen allele CA267661458.
Genomic context (GRCh38, chr15:23,647,218, plus strand): 5'-CGGAGGGGGAGGATGAGCCATCGGGGTCCCCGGAGGAGGAGGATGCACCATCGGGGTCCC[CGGA>C]GGAGGAGGATGGGCCATCGGGGTCCCCGGAGGAGGAGGATGGGCCATTGGGGTCCCCGGA-3'